The following is an entry in ClinVar:

NM_001034853.2(RPGR):c.1372_1373del (p.Ser458fs)

Gene: RPGR (retinitis pigmentosa GTPase regulator; minus strand). Cytogenetic location: Xp11.4.
Variant type: Microsatellite.
Coding change: c.1372_1373del on transcript NM_001034853.2 (MANE Select); coding-DNA positions 1372 to 1373, 2 bases deleted (AG; older notation c.1372_1373delAG).
Protein change: p.Ser458fs; shifts the reading frame from serine 458.
Molecular consequence: frameshift variant. On other transcripts: non-coding transcript variant (6).
Genome position (GRCh38, 1-based): chrX:38,297,325-38,297,326, CT deleted on the plus strand (AG on the coding strand, the reverse complement: RPGR is on the minus strand); deleting any 2 consecutive bases within chrX:38,297,325-38,297,330 gives the same sequence; the c. name uses the placement nearest the transcript's 3' end. VCF-style (leftmost placement, unchanged base first): chrX-38297324-ACT-A. GRCh37 (hg19) VCF-style: chrX-38156577-ACT-A.
Other names: c.1372_1373del, p.Ser458fs (NM_000328.3, NM_001367247.1); c.1369_1370del, p.Ser457fs (NM_001367245.1, NM_001367249.1, NM_001367250.1); c.1186_1187del, p.Ser396fs (NM_001367246.1, NM_001367251.1); c.1402_1403del, p.Ser468fs (NM_001367248.1); short protein forms S457fs, S458fs, S396fs, S468fs.
Identifiers: ClinVar variation 438138 (VCV000438138.7), dbSNP rs1555964133, ClinGen allele CA645509405.
Genomic context (GRCh38, chrX:38,297,324, plus strand): 5'-GACAGAGTAGCAAATGTTACCTGGTTCCTCTGGCTGCATGAGGTCCTGTTCAGATAAGAC[ACT>A]CTCTTGGAGGTTTCTCTCAGAACATCGTGGAAAGACTGAATTGGGGAGAAAACAAGCAGA-3'

ClinVar aggregate classification (germline): Pathogenic. Review status: criteria provided, single submitter (1 of 4 stars). 2 submissions from 2 submitters: Pathogenic (1). 1 of the submissions does not count toward it. Last evaluated 2022-04-06.

Conditions:
Primary ciliary dyskinesia. Also called: Ciliary dyskinesia. Identifiers: Orphanet 244, MedGen C0008780, MONDO:0016575, HP:0012265.
Retinitis pigmentosa (RP). Identifiers: Orphanet 791, MedGen C0035334, MeSH D012174, MONDO:0019200, OMIM 268000. Inheritance: Autosomal dominant, autosomal recessive and X linked inheritance.

Submissions (2):

Labcorp Genetics (formerly Invitae), Labcorp
Classification: Pathogenic for Primary ciliary dyskinesia. Last evaluated: 2022-04-06. Review status: criteria provided, single submitter. Criteria: Invitae Variant Classification Sherloc (09022015). Collection method: clinical testing. Allele origin: germline.
Comment: This variant is also known as 1431-1432del, Cys458fsTer461. This premature translational stop signal has been observed in individual(s) with clinical features of retinitis pigmentosa (PMID: 11992260, 32581362). This variant is not present in population databases (gnomAD no frequency). This sequence change creates a premature translational stop signal (p.Ser458Cysfs*4) in the RPGR gene. It is expected to result in an absent or disrupted protein product. Loss-of-function variants in RPGR are known to be pathogenic (PMID: 16055928, 16969763). For these reasons, this variant has been classified as Pathogenic.

NIHR Bioresource Rare Diseases, University of Cambridge
Classification: Pathogenic for Retinitis pigmentosa. Last evaluated: 2015-01-01. Review status: no assertion criteria provided. Collection method: research. Allele origin: unknown. Affected: yes. Observed: 1 variant allele. Not counted in ClinVar's aggregate classification.

Literature cited by the submitters: PubMed 11992260 (cited by Labcorp Genetics (formerly Invitae), Labcorp and NIHR Bioresource Rare Diseases, University of Cambridge); PubMed 32581362 (cited by Labcorp Genetics (formerly Invitae), Labcorp); PubMed 16055928 (cited by Labcorp Genetics (formerly Invitae), Labcorp); PubMed 16969763 (cited by Labcorp Genetics (formerly Invitae), Labcorp); PubMed 28041643 (cited by NIHR Bioresource Rare Diseases, University of Cambridge).